The following is an entry in ClinVar:

NM_021620.4(PRDM13):c.2077G>C (p.Asp693His)

Gene: PRDM13 (PR/SET domain 13; plus strand). Cytogenetic location: 6q16.2.
Variant type: single nucleotide variant.
Coding change: c.2077G>C on transcript NM_021620.4 (MANE Select); coding-DNA position 2077, G replaced by C.
Protein change: p.Asp693His; replaces aspartic acid 693 with histidine.
Molecular consequence: missense variant.
Genome position (GRCh38, 1-based): chr6:99,614,712, G>C. VCF-style: chr6-99614712-G-C. GRCh37 (hg19) VCF-style: chr6-100062588-G-C.
Other names: short protein forms D693H.
Identifiers: ClinVar variation 858233 (VCV000858233.10), dbSNP rs764847031, ClinGen allele CA143976370.
Genomic context (GRCh38, chr6:99,614,712, plus strand): 5'-CCCCCGGAGCCTGGGGATCCCAAGAGCGACGACAGTGACGTGGACGTCTGCTTCACAGAC[G>C]ACCAGAGCGACCCCGAGGTTGGGGGCGGCGGGGAGCGCGACTTGTAACGAGTCTTCCCGG-3'
Protein context (NP_067633.2, residues 683-703): DSDVDVCFTD[Asp693His]QSDPEVGGGG

ClinVar aggregate classification (germline): Uncertain significance (1 of 4 stars; one submission).

Allele frequency attached by ClinVar (database versions not stated): gnomAD 0.00001; TOPMed 0.00002.
gnomAD v4.1: 1 of 1,597,748 alleles (0.000063%); highest among the groups gnomAD compares: Non-Finnish European, 0.000085%; no homozygotes.

Submission:

Labcorp Genetics (formerly Invitae), Labcorp
Classification: Uncertain significance. Last evaluated: 2019-12-27. Review status: criteria provided, single submitter. Criteria: Invitae Variant Classification Sherloc (09022015). Collection method: clinical testing. Allele origin: germline.
Comment: This variant is not present in population databases (ExAC no frequency). In summary, the available evidence is currently insufficient to determine the role of this variant in disease. Therefore, it has been classified as a Variant of Uncertain Significance. Algorithms developed to predict the effect of missense changes on protein structure and function (SIFT, PolyPhen-2, Align-GVGD) all suggest that this variant is likely to be disruptive, but these predictions have not been confirmed by published functional studies and their clinical significance is uncertain. This variant has not been reported in the literature in individuals with PRDM13-related conditions. This sequence change replaces aspartic acid with histidine at codon 693 of the PRDM13 protein (p.Asp693His). The aspartic acid residue is highly conserved and there is a moderate physicochemical difference between aspartic acid and histidine.